The following is an entry in ClinVar:

ClinVar aggregate classification (germline): Uncertain significance (1 of 4 stars; one submission).

Allele frequency attached by ClinVar (database versions not stated): gnomAD 0.00002; TOPMed 0.00003; ExAC 0.00004; gnomAD exomes 0.00004.
gnomAD v4.1: 25 of 1,614,018 alleles (0.0015%); highest among the groups gnomAD compares: Admixed American, 0.042%; no homozygotes.

Submission:

Labcorp Genetics (formerly Invitae), Labcorp
Classification: Uncertain significance. Last evaluated: 2022-07-01. Review status: criteria provided, single submitter. Criteria: Invitae Variant Classification Sherloc (09022015). Collection method: clinical testing. Allele origin: germline.
Comment: This sequence change replaces proline, which is neutral and non-polar, with serine, which is neutral and polar, at codon 903 of the INPPL1 protein (p.Pro903Ser). This variant is present in population databases (rs778009547, gnomAD 0.06%). This variant has not been reported in the literature in individuals affected with INPPL1-related conditions. Algorithms developed to predict the effect of missense changes on protein structure and function (SIFT, PolyPhen-2, Align-GVGD) all suggest that this variant is likely to be tolerated. In summary, the available evidence is currently insufficient to determine the role of this variant in disease. Therefore, it has been classified as a Variant of Uncertain Significance.

NM_001567.4(INPPL1):c.2707C>T (p.Pro903Ser)

Gene: INPPL1 (inositol polyphosphate phosphatase like 1; plus strand). Cytogenetic location: 11q13.4.
Variant type: single nucleotide variant.
Coding change: c.2707C>T on transcript NM_001567.4 (MANE Select); coding-DNA position 2707, C replaced by T.
Protein change: p.Pro903Ser; replaces proline 903 with serine.
Molecular consequence: missense variant.
Genome position (GRCh38, 1-based): chr11:72,235,722, C>T. VCF-style: chr11-72235722-C-T. GRCh37 (hg19) VCF-style: chr11-71946766-C-T.
Other names: short protein forms P903S.
Identifiers: ClinVar variation 2176914 (VCV002176914.1), dbSNP rs778009547, ClinGen allele CA6170432.